The following is an entry in ClinVar:

ClinVar aggregate classification (germline): Uncertain significance. Review status: criteria provided, multiple submitters, no conflicts (2 of 4 stars). 2 submissions from 2 submitters: Uncertain significance (2). Last evaluated 2023-10-05.

Conditions:
PHF3-related disorder. Also called: PHF3-related condition.

gnomAD v4.1: 2 of 1,614,054 alleles (0.00012%); highest among the groups gnomAD compares: East Asian, 0.0022%; no homozygotes.

Submissions (2):

Ambry Genetics
Classification: Uncertain significance. Last evaluated: 2023-10-05. Review status: criteria provided, single submitter. Criteria: Ambry Variant Classification Scheme 2023. Collection method: clinical testing. Allele origin: germline.

PreventionGenetics, part of Exact Sciences
Classification: Uncertain significance for PHF3-related condition. Last evaluated: 2023-06-23. Review status: criteria provided, single submitter. Criteria: ACMG Guidelines, 2015. Collection method: clinical testing. Allele origin: germline.
Comment: The PHF3 c.5614C>T variant is predicted to result in the amino acid substitution p.Leu1872Phe. To our knowledge, this variant has not been reported in the literature. This variant is reported in 0.0054% of alleles in individuals of East Asian descent in gnomAD. At this time, the clinical significance of this variant is uncertain due to the absence of conclusive functional and genetic evidence.

NM_001370348.2(PHF3):c.5614C>T (p.Leu1872Phe)

Gene: PHF3 (PHD finger protein 3; plus strand). Cytogenetic location: 6q12.
Variant type: single nucleotide variant.
Coding change: c.5614C>T on transcript NM_001370348.2 (MANE Select); coding-DNA position 5614, C replaced by T.
Protein change: p.Leu1872Phe; replaces leucine 1872 with phenylalanine.
Molecular consequence: missense variant.
Genome position (GRCh38, 1-based): chr6:63,713,202, C>T. VCF-style: chr6-63713202-C-T. GRCh37 (hg19) VCF-style: chr6-64423098-C-T.
Other names: c.5350C>T, p.Leu1784Phe (NM_001290259.2, NM_001370349.2); c.3421C>T, p.Leu1141Phe (NM_001370350.2); c.5614C>T, p.Leu1872Phe (NM_015153.4); c.5614C>T (NM_015153.2); short protein forms L1141F, L1784F, L1872F.
Identifiers: ClinVar variation 2632616 (VCV002632616.2), dbSNP rs756128273, ClinGen allele CA364379480.
Genomic context (GRCh38, chr6:63,713,202, plus strand): 5'-ATGGTTCCCTGGCCACCTGTTGTTCATCTCCCAGGTCAGCCACAGCGTATGATGGGTCCT[C>T]TCTCACAAGCATCAAGGTATATAGGCCCGCAGAATTTTTACCAGGTTAAAGACATTCGGA-3'
Protein context (NP_001357277.1, residues 1862-1882): PGQPQRMMGP[Leu1872Phe]SQASRYIGPQ